The following is an entry in ClinVar:

NM_004817.4(TJP2):c.342+31del

Gene: TJP2 (tight junction protein 2; plus strand). Cytogenetic location: 9q21.11.
Variant type: Deletion.
Coding change: c.342+31del on transcript NM_004817.4 (MANE Select); 31 bases into the intron after coding-DNA position 342, one base deleted (T; older notation c.342+31delT).
Molecular consequence: intron variant.
Genome position (GRCh38, 1-based): chr9:69,218,390, T deleted; the last of 2 consecutive T bases (chr9:69,218,389-69,218,390); deleting either gives the same sequence. VCF-style (leftmost placement, unchanged base first): chr9-69218388-CT-C. GRCh37 (hg19) VCF-style: chr9-71833304-CT-C.
Other names: p.?; c.273+31del (NM_001170414.2, NM_001369870.1, NM_001369871.1); c.342+31del (NM_201629.3, NM_001369872.1, NM_001369873.1); c.354+31del (NM_001170415.1, NM_001369875.1, NM_001369874.1); c.435+31del (NM_001170416.2).
Identifiers: ClinVar variation 4683396 (VCV004683396.1).
Genomic context (GRCh38, chr9:69,218,388, plus strand): 5'-AGCTCAGAAAAAGTGGGAAGGTCGCTGCTATTGTAAGTACTGGGTTTGCTTTCAGCTTGC[CT>C]TAATAGCATTTTGGTTTTTTGCCCAGAAGAAAATTACCCCTTGCTTTTAAGCATTTGACA-3'

ClinVar aggregate classification (germline): Likely benign (1 of 4 stars; one submission).

Submission:

Mayo Clinic Laboratories, Mayo Clinic
Classification: Likely benign. Last evaluated: 2025-06-05. Review status: criteria provided, single submitter. Criteria: ACMG Guidelines, 2015. Collection method: clinical testing. Allele origin: germline. Observed: 1 variant allele.
Comment: BA1, BS2, BP7